The following is an entry in ClinVar:

ClinVar aggregate classification (germline): Uncertain significance (1 of 4 stars; one submission).

Conditions:
Long QT syndrome (LQTS). Identifiers: MedGen C0023976, MeSH D008133, MONDO:0002442. Disease mechanism: loss of function. Inheritance: Various modes of inheritance.

Submission:

Labcorp Genetics (formerly Invitae), Labcorp
Classification: Uncertain significance for Long QT syndrome. Last evaluated: 2022-02-25. Review status: criteria provided, single submitter. Criteria: Invitae Variant Classification Sherloc (09022015). Collection method: clinical testing. Allele origin: germline.
Comment: In summary, the available evidence is currently insufficient to determine the role of this variant in disease. Therefore, it has been classified as a Variant of Uncertain Significance. Algorithms developed to predict the effect of missense changes on protein structure and function are either unavailable or do not agree on the potential impact of this missense change (SIFT: "Deleterious"; PolyPhen-2: "Probably Damaging"; Align-GVGD: "Class C0"). This variant has not been reported in the literature in individuals affected with ANK2-related conditions. This variant is not present in population databases (gnomAD no frequency). This sequence change replaces serine, which is neutral and polar, with asparagine, which is neutral and polar, at codon 1061 of the ANK2 protein (p.Ser1061Asn).

NM_001148.6(ANK2):c.3182G>A (p.Ser1061Asn)

Gene: ANK2 (ankyrin 2; plus strand). Cytogenetic location: 4q26.
Variant type: single nucleotide variant.
Coding change: c.3182G>A on transcript NM_001148.6 (MANE Select); coding-DNA position 3182, G replaced by A.
Protein change: p.Ser1061Asn; replaces serine 1061 with asparagine.
Molecular consequence: missense variant. On other transcripts: intron variant (42).
Genome position (GRCh38, 1-based): chr4:113,332,028, G>A. VCF-style: chr4-113332028-G-A. GRCh37 (hg19) VCF-style: chr4-114253184-G-A.
Other names: c.3155G>A, p.Ser1052Asn (NM_001127493.3); c.3194G>A, p.Ser1065Asn (NM_001354225.2); c.3224G>A, p.Ser1075Asn (NM_001354231.2, NM_001354242.2); c.3218G>A, p.Ser1073Asn (NM_001354232.2); c.3179G>A, p.Ser1060Asn (NM_001354235.2, NM_001354246.2, NM_001354265.2); c.3260G>A, p.Ser1087Asn (NM_001354237.2); c.3152G>A, p.Ser1051Asn (NM_001354239.2, NM_001354252.2); c.3227G>A, p.Ser1076Asn (NM_001354240.2, NM_001354241.2, NM_001386144.1); and 28 more; short protein forms S1052N, S1056N, S1075N, S1076N, S1040N, S1044N, S1061N, S1087N.
Identifiers: ClinVar variation 2103452 (VCV002103452.4), dbSNP rs2502461243, ClinGen allele CA357935494.